The following is an entry in ClinVar:

ClinVar aggregate classification (germline): Uncertain significance. Review status: criteria provided, multiple submitters, no conflicts (2 of 4 stars). 3 submissions from 3 submitters: Uncertain significance (3). Last evaluated 2025-05-29.

Allele frequency attached by ClinVar (database versions not stated): TOPMed below 0.00001; gnomAD 0.00001; gnomAD exomes 0.00001; ExAC 0.00002; ESP Exome Variant Server 0.00008.
gnomAD v4.1: 15 of 1,613,994 alleles (0.00093%); highest among the groups gnomAD compares: Admixed American, 0.0017%; no homozygotes.

Submissions (3):

GeneDx
Classification: Uncertain significance. Last evaluated: 2025-05-29. Review status: criteria provided, single submitter. Criteria: GeneDx Variant Classification Process June 2021. Collection method: clinical testing. Allele origin: germline. Affected: yes.
Comment: Not observed at significant frequency in large population cohorts (gnomAD); In silico analysis suggests that this missense variant does not alter protein structure/function; Has not been previously published as pathogenic or benign to our knowledge; This variant is associated with the following publications: (PMID: 21073748)

Ambry Genetics
Classification: Uncertain significance. Last evaluated: 2024-11-18. Review status: criteria provided, single submitter. Criteria: Ambry Variant Classification Scheme 2023. Collection method: clinical testing. Allele origin: germline.
Comment: The p.K590R variant (also known as c.1769A>G), located in coding exon 18 of the SRP72 gene, results from an A to G substitution at nucleotide position 1769. The lysine at codon 590 is replaced by arginine, an amino acid with highly similar properties. This amino acid position is conserved. In addition, the in silico prediction for this alteration is inconclusive. Based on the available evidence, the clinical significance of this variant remains unclear.

Labcorp Genetics (formerly Invitae), Labcorp
Classification: Uncertain significance. Last evaluated: 2024-02-23. Review status: criteria provided, single submitter. Criteria: Invitae Variant Classification Sherloc (09022015). Collection method: clinical testing. Allele origin: germline.
Comment: This sequence change replaces lysine, which is basic and polar, with arginine, which is basic and polar, at codon 590 of the SRP72 protein (p.Lys590Arg). This variant is present in population databases (rs142971238, gnomAD 0.002%). This variant has not been reported in the literature in individuals affected with SRP72-related conditions. ClinVar contains an entry for this variant (Variation ID: 2183627). Advanced modeling of protein sequence and biophysical properties (such as structural, functional, and spatial information, amino acid conservation, physicochemical variation, residue mobility, and thermodynamic stability) performed at Invitae indicates that this missense variant is not expected to disrupt SRP72 protein function with a negative predictive value of 80%. In summary, the available evidence is currently insufficient to determine the role of this variant in disease. Therefore, it has been classified as a Variant of Uncertain Significance.

NM_006947.4(SRP72):c.1769A>G (p.Lys590Arg)

Gene: SRP72 (signal recognition particle 72; plus strand). Cytogenetic location: 4q12.
Variant type: single nucleotide variant.
Coding change: c.1769A>G on transcript NM_006947.4 (MANE Select); coding-DNA position 1769, A replaced by G.
Protein change: p.Lys590Arg; replaces lysine 590 with arginine.
Molecular consequence: missense variant. On other transcripts: non-coding transcript variant (1).
Genome position (GRCh38, 1-based): chr4:56,500,626, A>G. VCF-style: chr4-56500626-A-G. GRCh37 (hg19) VCF-style: chr4-57366792-A-G.
Other names: c.1586A>G, p.Lys529Arg (NM_001267722.2); c.1769A>G (NM_006947.3); short protein forms K590R, K529R.
Identifiers: ClinVar variation 2183627 (VCV002183627.6), dbSNP rs142971238, ClinGen allele CA2931475.